The following is an entry in ClinVar:

NM_002894.3(RBBP8):c.153-3T>C

Gene: RBBP8 (RB binding protein 8, endonuclease; plus strand). Cytogenetic location: 18q11.2.
Variant type: single nucleotide variant.
Coding change: c.153-3T>C on transcript NM_002894.3 (MANE Select); 3 bases into the intron before coding-DNA position 153, T replaced by C.
Molecular consequence: intron variant.
Genome position (GRCh38, 1-based): chr18:22,949,615, T>C. VCF-style: chr18-22949615-T-C. GRCh37 (hg19) VCF-style: chr18-20529578-T-C.
Other names: c.153-3T>C (NM_203292.2, NM_203291.2).
Identifiers: ClinVar variation 382549 (VCV000382549.4), dbSNP rs369315269, ClinGen allele CA8909736.
Genomic context (GRCh38, chr18:22,949,615, plus strand): 5'-TCTTAGAATTATCCTGTTAAGAGTATTTTTATCTGAAAAACTTATTTATTTTTTGACCTT[T>C]AGAGATGCACAAAGACTAGAAGAATTCTTCACCAAAAATCAACAGCTGAGGGAACAGCAG-3'

ClinVar aggregate classification (germline): Conflicting classifications of pathogenicity. Review status: criteria provided, conflicting classifications (1 of 4 stars). 3 submissions from 3 submitters: Uncertain significance (1); Likely benign (1). 1 of the submissions does not count toward it. Last evaluated 2022-05-15.

Conditions:
RBBP8-related disorder. Also called: RBBP8-related condition; RBBP8-Related Disorders. Identifiers: MedGen CN239300.

Allele frequency attached by ClinVar (database versions not stated): gnomAD 0.00001; ESP Exome Variant Server 0.00008; TOPMed 0.00001; ExAC 0.00002.
gnomAD v4.1: 22 of 1,601,730 alleles (0.0014%); highest among the groups gnomAD compares: Middle Eastern, 0.033%; no homozygotes.

Submissions (3):

Labcorp Genetics (formerly Invitae), Labcorp
Classification: Uncertain significance. Last evaluated: 2022-05-15. Review status: criteria provided, single submitter. Criteria: Invitae Variant Classification Sherloc (09022015). Collection method: clinical testing. Allele origin: germline.
Comment: This sequence change falls in intron 3 of the RBBP8 gene. It does not directly change the encoded amino acid sequence of the RBBP8 protein. It affects a nucleotide within the consensus splice site. This variant is present in population databases (rs369315269, gnomAD 0.003%). This variant has not been reported in the literature in individuals affected with RBBP8-related conditions. ClinVar contains an entry for this variant (Variation ID: 382549). Variants that disrupt the consensus splice site are a relatively common cause of aberrant splicing (PMID: 17576681, 9536098). Algorithms developed to predict the effect of sequence changes on RNA splicing suggest that this variant is not likely to affect RNA splicing. In summary, the available evidence is currently insufficient to determine the role of this variant in disease. Therefore, it has been classified as a Variant of Uncertain Significance.

GeneDx
Classification: Likely benign. Last evaluated: 2016-02-02. Review status: criteria provided, single submitter. Criteria: GeneDx Variant Classification (06012015). Collection method: clinical testing. Allele origin: germline. Affected: yes.
Comment: This variant is considered likely benign or benign based on one or more of the following criteria: it is a conservative change, it occurs at a poorly conserved position in the protein, it is predicted to be benign by multiple in silico algorithms, and/or has population frequency not consistent with disease.

PreventionGenetics, part of Exact Sciences
Classification: Likely benign for RBBP8-related condition. Last evaluated: 2024-07-10. Review status: no assertion criteria provided. Collection method: clinical testing. Allele origin: germline. Not counted in ClinVar's aggregate classification.
Comment: This variant is classified as likely benign based on ACMG/AMP sequence variant interpretation guidelines (Richards et al. 2015 PMID: 25741868, with internal and published modifications).

Literature cited by the submitters: PubMed 17576681 (cited by Labcorp Genetics (formerly Invitae), Labcorp); PubMed 9536098 (cited by Labcorp Genetics (formerly Invitae), Labcorp).